The following is an entry in ClinVar:

ClinVar aggregate classification (germline): Uncertain significance. Review status: criteria provided, multiple submitters, no conflicts (2 of 4 stars). 3 submissions from 3 submitters: Uncertain significance (3). Last evaluated 2024-11-25.

Conditions:
Inborn genetic diseases. Identifiers: MedGen C0950123, MeSH D030342.
Thrombocytopenia 2 (THC2). Also called: ANKRD26-Related Thrombocytopenia. Identifiers: Orphanet 268322, MedGen C1861185, MONDO:0008555, OMIM 188000.
ANKRD26-related disorder. Also called: ANKRD26-related condition.

Allele frequency attached by ClinVar (database versions not stated): gnomAD exomes below 0.00001.
gnomAD v4.1: 3 of 1,610,026 alleles (0.00019%); highest among the groups gnomAD compares: African/African-American, 0.0013%; no homozygotes.

Submissions (3):

Ambry Genetics
Classification: Uncertain significance for Inborn genetic diseases. Last evaluated: 2024-11-25. Review status: criteria provided, single submitter. Criteria: Ambry Variant Classification Scheme 2023. Collection method: clinical testing. Allele origin: germline.
Comment: The p.A17V variant (also known as c.50C>T), located in coding exon 1 of the ANKRD26 gene, results from a C to T substitution at nucleotide position 50. The alanine at codon 17 is replaced by valine, an amino acid with similar properties. This amino acid position is conserved. In addition, this alteration is predicted to be tolerated by in silico analysis. Based on the available evidence, the clinical significance of this variant remains unclear.

PreventionGenetics, part of Exact Sciences
Classification: Uncertain significance for ANKRD26-related condition. Last evaluated: 2023-03-15. Review status: criteria provided, single submitter. Criteria: ACMG Guidelines, 2015. Collection method: clinical testing. Allele origin: germline.
Comment: The ANKRD26 c.50C>T variant is predicted to result in the amino acid substitution p.Ala17Val. To our knowledge, this variant has not been reported in the literature. This variant is reported in 0.00091% of alleles in individuals of European (Non-Finnish) descent in gnomAD. This variant has been interpreted as uncertain in ClinVar. At this time, the clinical significance of this variant is uncertain due to the absence of conclusive functional and genetic evidence.

Illumina Laboratory Services, Illumina
Classification: Uncertain significance for Thrombocytopenia 2. Last evaluated: 2018-01-13. Review status: criteria provided, single submitter. Criteria: ICSL Variant Classification Criteria 13 December 2019. Collection method: clinical testing. Allele origin: germline.

NM_014915.3(ANKRD26):c.50C>T (p.Ala17Val)

Genes: ANKRD26 (ankyrin repeat domain 26; minus strand), LOC130003554 (ATAC-STARR-seq lymphoblastoid silent region 2243; plus strand). Cytogenetic location: 10p12.1.
Variant type: single nucleotide variant.
Coding change: c.50C>T on transcript NM_014915.3 (MANE Select); coding-DNA position 50, C replaced by T.
Protein change: p.Ala17Val; replaces alanine 17 with valine.
Molecular consequence: missense variant.
Genome position (GRCh38, 1-based): chr10:27,100,277, G>A on the plus strand (C>T on the coding strand, the complement: ANKRD26 is on the minus strand). VCF-style: chr10-27100277-G-A. GRCh37 (hg19) VCF-style: chr10-27389206-G-A.
Other names: c.50C>T, p.Ala17Val (NM_001256053.2); short protein forms A17V.
Identifiers: ClinVar variation 299766 (VCV000299766.7), dbSNP rs886046948, ClinGen allele CA10635616.
Genomic context (GRCh38, chr10:27,100,277, plus strand): 5'-TGCGAGTAGGCGCCCTCCCCCGGCTCGCCCCCGCCTCCCGCGCTGCTCCTCTGCCGCCGC[G>A]CGAAGGAGCCCAAGGGCGACTCGCCCTTCTTACTAAAAATCTTCTTCATGGCCCAGGCGA-3'
Protein context (NP_055730.2, residues 7-27): KKGESPLGSF[Ala17Val]RRQRSSAGGG